The following is an entry in ClinVar:

ClinVar aggregate classification (germline): Uncertain significance. Review status: criteria provided, multiple submitters, no conflicts (2 of 4 stars). 3 submissions from 3 submitters: Uncertain significance (3). Last evaluated 2025-03-09.

Conditions:
Intellectual developmental disorder, autosomal dominant 64. Also called: MENTAL RETARDATION, AUTOSOMAL DOMINANT 64. Identifiers: MedGen C5543067, MONDO:0030934, OMIM 619188.
ZNF292-related disorder. Also called: ZNF292-related condition.
Inborn genetic diseases. Identifiers: MedGen C0950123, MeSH D030342.

Allele frequency attached by ClinVar (database versions not stated): gnomAD exomes below 0.00001; ExAC 0.00002; gnomAD 0.00003; TOPMed 0.00004; 1000 Genomes Project 0.00020; 1000 Genomes Project 30x 0.00031.
gnomAD v4.1: 8 of 1,608,600 alleles (0.0005%); highest among the groups gnomAD compares: Admixed American, 0.0068%; no homozygotes.

Submissions (3):

PreventionGenetics, part of Exact Sciences
Classification: Uncertain significance for ZNF292-related condition. Last evaluated: 2025-03-09. Review status: criteria provided, single submitter. Criteria: ACMG Guidelines, 2015. Collection method: clinical testing. Allele origin: germline.
Comment: The ZNF292 c.7900A>G variant is predicted to result in the amino acid substitution p.Thr2634Ala. To our knowledge, this variant has not been reported in the literature. This variant is reported in 0.0068% of alleles in individuals of African descent in gnomAD. At this time, the clinical significance of this variant is uncertain due to the absence of conclusive functional and genetic evidence.

Ambry Genetics
Classification: Uncertain significance for Inborn genetic diseases. Last evaluated: 2024-01-03. Review status: criteria provided, single submitter. Criteria: Ambry Variant Classification Scheme 2023. Collection method: clinical testing. Allele origin: germline.

Revvity Omics, Revvity
Classification: Uncertain significance for Intellectual developmental disorder, autosomal dominant 64. Last evaluated: 2022-08-12. Review status: criteria provided, single submitter. Criteria: ACMG Guidelines, 2015. Collection method: clinical testing. Allele origin: germline.

NM_015021.3(ZNF292):c.7900A>G (p.Thr2634Ala)

Gene: ZNF292 (zinc finger protein 292; plus strand). Cytogenetic location: 6q14.3.
Variant type: single nucleotide variant.
Coding change: c.7900A>G on transcript NM_015021.3 (MANE Select); coding-DNA position 7900, A replaced by G.
Protein change: p.Thr2634Ala; replaces threonine 2634 with alanine.
Molecular consequence: missense variant.
Genome position (GRCh38, 1-based): chr6:87,261,529, A>G. VCF-style: chr6-87261529-A-G. GRCh37 (hg19) VCF-style: chr6-87971247-A-G.
Other names: c.7480A>G, p.Thr2494Ala (NM_001351444.2); c.7900A>G (NM_015021.1); short protein forms T2494A, T2634A.
Identifiers: ClinVar variation 2438679 (VCV002438679.5), dbSNP rs566434477, ClinGen allele CA3914875.